The following is an entry in ClinVar:

ClinVar aggregate classification (germline): Uncertain significance (1 of 4 stars; one submission).

Conditions:
Inborn genetic diseases. Identifiers: MedGen C0950123, MeSH D030342.

gnomAD v4.1: 5 of 1,613,868 alleles (0.00031%); highest among the groups gnomAD compares: Non-Finnish European, 0.00042%; no homozygotes.

Submission:

Ambry Genetics
Classification: Uncertain significance for Inborn genetic diseases. Last evaluated: 2024-11-24. Review status: criteria provided, single submitter. Criteria: Ambry Variant Classification Scheme 2023. Collection method: clinical testing. Allele origin: germline.
Comment: The p.K969T variant (also known as c.2906A>C), located in coding exon 1 of the SAMD9 gene, results from an A to C substitution at nucleotide position 2906. The lysine at codon 969 is replaced by threonine, an amino acid with similar properties. This amino acid position is conserved. In addition, this alteration is predicted to be tolerated by in silico analysis. Based on the available evidence, the clinical significance of this variant remains unclear.

NM_017654.4(SAMD9):c.2906A>C (p.Lys969Thr)

Gene: SAMD9 (sterile alpha motif domain containing 9; minus strand). Cytogenetic location: 7q21.2.
Variant type: single nucleotide variant.
Coding change: c.2906A>C on transcript NM_017654.4 (MANE Select); coding-DNA position 2906, A replaced by C.
Protein change: p.Lys969Thr; replaces lysine 969 with threonine.
Molecular consequence: missense variant.
Genome position (GRCh38, 1-based): chr7:93,103,192, T>G on the plus strand (A>C on the coding strand, the complement: SAMD9 is on the minus strand). VCF-style: chr7-93103192-T-G. GRCh37 (hg19) VCF-style: chr7-92732505-T-G.
Other names: c.2906A>C, p.Lys969Thr (NM_001193307.2); short protein forms K969T.
Identifiers: ClinVar variation 3437035 (VCV003437035.1).